The following is an entry in ClinVar:

ClinVar aggregate classification (germline): Uncertain significance (1 of 4 stars; one submission).

Conditions:
Charcot-Marie-Tooth disease axonal type 2O. Also called: CHARCOT-MARIE-TOOTH NEUROPATHY, AXONAL, TYPE 2O; CHARCOT-MARIE-TOOTH DISEASE, AXONAL, AUTOSOMAL DOMINANT, TYPE 2O; Charcot-Marie-Tooth Neuropathy Type 2O; Charcot-Marie-Tooth disease, axonal, type 20. Identifiers: Orphanet 284232, MedGen C3280220, MONDO:0013644, OMIM 614228.

Submission:

Labcorp Genetics (formerly Invitae), Labcorp
Classification: Uncertain significance for Charcot-Marie-Tooth disease axonal type 2O. Last evaluated: 2026-01-26. Review status: criteria provided, single submitter. Criteria: Invitae Variant Classification Sherloc (09022015). Collection method: clinical testing. Allele origin: germline.
Comment: This sequence change replaces isoleucine, which is neutral and non-polar, with valine, which is neutral and non-polar, at codon 209 of the DYNC1H1 protein (p.Ile209Val). Information on the frequency of this variant in the gnomAD database is not available, as this variant may be reported differently in the database. This variant has not been reported in the literature in individuals affected with DYNC1H1-related conditions. ClinVar contains an entry for this variant (Variation ID: 539762). Experimental studies and prediction algorithms are not available or were not evaluated, and the functional significance of this variant is currently unknown. In summary, the available evidence is currently insufficient to determine the role of this variant in disease. Therefore, it has been classified as a Variant of Uncertain Significance.

NM_001376.5(DYNC1H1):c.624_625delinsAG (p.Ile209Val)

Gene: DYNC1H1 (dynein cytoplasmic 1 heavy chain 1; plus strand). Cytogenetic location: 14q32.31.
Variant type: Indel.
Coding change: c.624_625delinsAG on transcript NM_001376.5 (MANE Select); coding-DNA positions 624 to 625, GA replaced by AG.
Protein change: p.Ile209Val; replaces isoleucine 209 with valine.
Molecular consequence: missense variant.
Genome position (GRCh38, 1-based): chr14:101,979,824-101,979,825, GA replaced by AG. VCF-style: chr14-101979824-GA-AG. GRCh37 (hg19) VCF-style: chr14-102446161-GA-AG.
Other names: short protein forms I209V.
Identifiers: ClinVar variation 539762 (VCV000539762.7), dbSNP rs1555407906, ClinGen allele CA658798272.